The following continues an entry in ClinVar:

NM_000059.4(BRCA2):c.9097dup (p.Thr3033fs)

Gene: BRCA2. ClinVar aggregate classification (germline): Pathogenic. Pathogenic (1).

Submissions 21 to 40 of 52:

CHEO Genetics Diagnostic Laboratory, Children's Hospital of Eastern Ontario
Classification: Pathogenic for Breast and/or ovarian cancer. Last evaluated: 2023-04-28. Review status: criteria provided, single submitter. Criteria: ACMG Guidelines, 2015. Collection method: clinical testing. Allele origin: germline. Not counted in ClinVar's aggregate classification.

Human Genetics Bochum, Ruhr University Bochum
Classification: Pathogenic. Last evaluated: 2023-03-31. Review status: criteria provided, single submitter. Criteria: ACMG Guidelines, 2015. Collection method: clinical testing. Allele origin: germline. Affected: yes. Not counted in ClinVar's aggregate classification.
Comment: ACMG criteria used to clasify this variant:PVS1, PS4_MOD, PM2_SUP

Institute of Human Genetics, Heidelberg University
Classification: Pathogenic for Breast-ovarian cancer, familial, susceptibility to, 2. Last evaluated: 2023-03-13. Review status: criteria provided, single submitter. Criteria: ACMG Variant Classification, Richards et al., 2015, Genet Med. Collection method: clinical testing. Allele origin: germline. Affected: no. Not counted in ClinVar's aggregate classification.

Baylor Genetics
Classification: Pathogenic for Breast-ovarian cancer, familial, susceptibility to, 2. Last evaluated: 2023-03-01. Review status: criteria provided, single submitter. Criteria: ACMG Guidelines, 2015. Collection method: clinical testing. Allele origin: unknown. Not counted in ClinVar's aggregate classification.

Institute for Clinical Genetics, University Hospital TU Dresden, University Hospital TU Dresden
Classification: Pathogenic. Last evaluated: 2022-01-11. Review status: criteria provided, single submitter. Criteria: ACMG Guidelines, 2015. Collection method: clinical testing. Allele origin: germline. Not counted in ClinVar's aggregate classification.
Comment: PVS1, PP4, PM2_SUP

MGZ Medical Genetics Center
Classification: Pathogenic for Breast-ovarian cancer, familial, susceptibility to, 2. Last evaluated: 2021-07-16. Review status: criteria provided, single submitter. Criteria: ACMG Guidelines, 2015. Collection method: clinical testing. Allele origin: germline. Affected: yes. Observed: 1 variant allele. Not counted in ClinVar's aggregate classification.
Comment: ACMG criteria applied: PVS1, PM1, PM2_SUP

ARUP Laboratories, Molecular Genetics and Genomics, ARUP Laboratories
Classification: Pathogenic. Last evaluated: 2021-07-03. Review status: criteria provided, single submitter. Criteria: ARUP Molecular Germline Variant Investigation Process 2021. Collection method: clinical testing. Allele origin: germline. Not counted in ClinVar's aggregate classification.
Comment: The BRCA2 c.9097dupA; p.Thr3033AsnfsTer11 variant (rs397507419) has been reported in multiple individuals with breast or ovarian cancer (Kim 2012, Kwong 2012, Machackova 2008, Serova-Sinilnikova 1997, Zhao 2017). It is reported as pathogenic in ClinVar (Variation ID: 38208), and is only observed on 3 alleles in the Genome Aggregation Database, indicating it is not a common polymorphism. This variant introduces a frameshift by duplicating a single nucleotide, so it is predicted to result in a truncated protein or mRNA subject to nonsense-mediated decay. Based on available information, this variant is considered pathogenic. References: Kim H et al. Characteristics and spectrum of BRCA1 and BRCA2 mutations in 3,922 Korean patients with breast and ovarian cancer. Breast Cancer Res Treat. 2012; 134(3):1315-26. Kwong A et al. Identification of BRCA1/2 founder mutations in Southern Chinese breast cancer patients using gene sequencing and high resolution DNA melting analysis. PLoS One. 2012; 7(9):e43994. Machackova E et al. Spectrum and characterisation of BRCA1 and BRCA2 deleterious mutations in high-risk Czech patients with breast and/or ovarian cancer. BMC Cancer. 2008; 8:140. Serova-SInilnikova O et al. BRCA2 mutations in hereditary breast and ovarian cancer in France. Am J Hum Genet. 1997; 60(5):1236-9. Zhao Q et al. Germline and somatic mutations in homologous recombination genes among Chinese ovarian cancer patients detected using next-generation sequencing.

Greenwood Genetic Center Diagnostic Laboratories, Greenwood Genetic Center
Classification: Pathogenic. Last evaluated: 2020-12-30. Review status: criteria provided, single submitter. Criteria: ACMG Guidelines, 2015. Collection method: clinical testing. Allele origin: germline. Not counted in ClinVar's aggregate classification.
Comment: PVS1, PS4, PM2

Institute of Human Genetics, Clinical Exome/Genome Diagnostics Group, University Hospital Bonn
Classification: Pathogenic for Breast-ovarian cancer, familial, susceptibility to, 2; Familial cancer of breast. Last evaluated: 2020-10-22. Review status: criteria provided, single submitter. Criteria: ACMG Guidelines, 2015. Collection method: clinical testing. Allele origin: germline. Not counted in ClinVar's aggregate classification.

Laboratory for Molecular Medicine, Mass General Brigham Personalized Medicine
Classification: Pathogenic for Hereditary breast ovarian cancer syndrome. Last evaluated: 2019-04-24. Review status: criteria provided, single submitter. Criteria: LMM Criteria. Collection method: clinical testing. Allele origin: germline. Inheritance: Autosomal dominant inheritance. Observed: 1 variant allele. Not counted in ClinVar's aggregate classification.
Comment: The p.Thr3033AsnfsX11 variant in BRCA2 has been reported in >20 individuals with BRCA2-associated cancers (Serova-Sinilnikova 1997, Kopic 2011, Kwong 2012, Holter 2015, Wong-Brown 2015, Breast Cancer Information Core (BIC) database). This variant has been identified in 1/15908 African chromosomes by the Genome Aggregation Database (GnomAD); however, this frequency is low enough to be consistent with the frequency of hereditary breast and ovarian cancer (HBOC) in the general population. This variant is predicted to cause a frameshift, which alters the proteinâ€™s amino acid sequence beginning at position 3033 and leads to a premature termination codon 11 amino acids downstream. This alteration is then predicted to lead to a truncated or absent protein. Heterozygous loss of function of the BRCA2 gene is an established disease mechanism in hereditary breast and ovarian cancer (HBOC). In addition, this variant was classified as Pathogenic on April 22, 2016 by the ClinGen-approved ENIGMA expert panel (ClinVar SCV000282467.1). In summary, this variant meets our criteria to be classified as pathogenic for HBOC in an autosomal dominant manner. ACMG/AMP Criteria applied: PVS1, PS4, PM2.

Mendelics
Classification: Pathogenic for Hereditary breast and ovarian cancer syndrome. Last evaluated: 2018-07-02. Review status: criteria provided, single submitter. Criteria: Mendelics Assertion Criteria 2017. Collection method: clinical testing. Allele origin: unknown. Not counted in ClinVar's aggregate classification.

Women's Health and Genetics/Laboratory Corporation of America, LabCorp
Classification: Pathogenic for Hereditary breast ovarian cancer syndrome. Last evaluated: 2017-06-23. Review status: criteria provided, single submitter. Criteria: LabCorp Variant Classification Summary - May 2015. Collection method: clinical testing. Allele origin: germline. Not counted in ClinVar's aggregate classification.

Molecular Genetics Laboratory, University of Michigan
Classification: Pathogenic for Breast-ovarian cancer, familial, susceptibility to, 2. Last evaluated: 2016-04-21. Review status: criteria provided, single submitter. Criteria: ACMG Guidelines, 2015. Collection method: clinical testing. Allele origin: germline. Affected: yes. Not counted in ClinVar's aggregate classification.

University of Washington Department of Laboratory Medicine, University of Washington
Classification: Pathogenic for Breast-ovarian cancer, familial, susceptibility to, 1. Last evaluated: 2015-11-20. Review status: criteria provided, single submitter. Criteria: Shirts et al. (Genet Med 2016). Collection method: clinical testing. Allele origin: germline. Affected: yes. Observed: 1 variant allele. Not counted in ClinVar's aggregate classification.

Consortium of Investigators of Modifiers of BRCA1/2 (CIMBA), c/o University of Cambridge
Classification: Pathogenic for Breast-ovarian cancer, familial, susceptibility to, 2. Last evaluated: 2015-10-02. Review status: criteria provided, single submitter. Criteria: CIMBA Mutation Classification guidelines May 2016. Collection method: clinical testing. Allele origin: germline. Not counted in ClinVar's aggregate classification.

Hadassah Hebrew University Medical Center
Classification: Pathogenic for Breast-ovarian cancer, familial, susceptibility to, 2. Review status: criteria provided, single submitter. Criteria: ACMG Guidelines, 2015. Collection method: research. Allele origin: germline. Affected: no. Observed: 1 variant allele. Not counted in ClinVar's aggregate classification.

Department Of Pathology & Laboratory Medicine, University Of Pennsylvania
Classification: Pathogenic for Malignant lymphoma, large B-cell, diffuse. Last evaluated: 2023-12-04. Review status: no assertion criteria provided. Collection method: clinical testing. Allele origin: somatic. Affected: yes. Observed: 1 variant allele. Not counted in ClinVar's aggregate classification.
Comment: Post-initial therapy specimen.

Medical Genetics Laboratory, Umraniye Training and Research Hospital, University of Health Sciences
Classification: Pathogenic for Breast carcinoma. Last evaluated: 2021-08-08. Review status: no assertion criteria provided. Collection method: clinical testing. Allele origin: germline. Inheritance: Autosomal dominant inheritance. Affected: yes. Observed: 1 variant allele, 1 heterozygote. Not counted in ClinVar's aggregate classification.

Laboratory for Genotyping Development, RIKEN
Classification: Pathogenic for Gastric cancer. Last evaluated: 2021-07-01. Review status: no assertion criteria provided. Collection method: research. Allele origin: germline. Not counted in ClinVar's aggregate classification.

Center of Medical Genetics and Primary Health Care
Classification: Pathogenic for Breast cancer, familial. Last evaluated: 2020-04-08. Review status: no assertion criteria provided. Collection method: research. Allele origin: germline. Affected: yes. Observed: 1 heterozygote. Not counted in ClinVar's aggregate classification.
Comment: ACMG Guidelines 2015 criteria The BRCA2 variant p.Thr3033Asnfs is a known pathogenic variant in exon 23 in the Nucleic acid-binding OB-fold (T2968-3184L aa) domain, which binds to single-stranded nucleic acids (staphylococcal nuclease and aspartyl-tRNA synthetase) or oligosaccharides (B subunits of enterotoxin and verotoxin-1), and has been termed the oligonucleotide/oligosaccharide binding motif, or OB fold (PMID: 12769718). This frameshift mutation disrupts the function of the domain which is an established disease mechanism in hereditary breast and ovarian cancer (PVS1 Pathogenic Very Strong). This mutation hotspot has 31 pathogenic variants (PM1 Pathogenic Moderate). This variant is not found in GnomAD exomes neither in GnomAD genomes (PM2 Pathogenic Moderate). 1 pathogenic prediction from GERP versus no benign predictions supports its deleterious effect (PP3 Pathogenic Supporting). The variant has been classified as pathogenic by the ClinGen-approved ENIGMA expert panel (ClinVar SCV000282467.1) (PP5 Pathogenic Supporting).